The following is an entry in ClinVar:

ClinVar aggregate classification (germline): Uncertain significance (1 of 4 stars; one submission).

Conditions:
Baller-Gerold syndrome (BGS). Also called: CRANIOSYNOSTOSIS WITH RADIAL DEFECTS. Identifiers: Orphanet 1225, MedGen C0265308, MONDO:0009039, OMIM 218600.

Allele frequency attached by ClinVar (database versions not stated): TOPMed 0.00001.
gnomAD v4.1: 18 of 1,611,254 alleles (0.0011%); highest among the groups gnomAD compares: African/African-American, 0.0027%; no homozygotes.

Submission:

Labcorp Genetics (formerly Invitae), Labcorp
Classification: Uncertain significance for Baller-Gerold syndrome. Last evaluated: 2024-08-21. Review status: criteria provided, single submitter. Criteria: Invitae Variant Classification Sherloc (09022015). Collection method: clinical testing. Allele origin: germline.
Comment: This sequence change replaces arginine, which is basic and polar, with glycine, which is neutral and non-polar, at codon 1069 of the RECQL4 protein (p.Arg1069Gly). This variant is present in population databases (no rsID available, gnomAD 0.0009%). This variant has not been reported in the literature in individuals affected with RECQL4-related conditions. ClinVar contains an entry for this variant (Variation ID: 406967). Invitae Evidence Modeling of protein sequence and biophysical properties (such as structural, functional, and spatial information, amino acid conservation, physicochemical variation, residue mobility, and thermodynamic stability) indicates that this missense variant is not expected to disrupt RECQL4 protein function with a negative predictive value of 80%. In summary, the available evidence is currently insufficient to determine the role of this variant in disease. Therefore, it has been classified as a Variant of Uncertain Significance.

NM_004260.4(RECQL4):c.3205C>G (p.Arg1069Gly)

Gene: RECQL4 (RecQ like helicase 4; minus strand). Cytogenetic location: 8q24.3.
Variant type: single nucleotide variant.
Coding change: c.3205C>G on transcript NM_004260.4 (MANE Select); coding-DNA position 3205, C replaced by G.
Protein change: p.Arg1069Gly; replaces arginine 1069 with glycine.
Molecular consequence: missense variant.
Genome position (GRCh38, 1-based): chr8:144,512,175, G>C on the plus strand (C>G on the coding strand, the complement: RECQL4 is on the minus strand). VCF-style: chr8-144512175-G-C. GRCh37 (hg19) VCF-style: chr8-145737558-G-C.
Other names: short protein forms R1069G.
Identifiers: ClinVar variation 406967 (VCV000406967.7), dbSNP rs758648484, ClinGen allele CA16612367.